The following is an entry in ClinVar:

NM_013322.3(SNX10):c.395C>T (p.Ala132Val)

Gene: SNX10 (sorting nexin 10; plus strand). Cytogenetic location: 7p15.2.
Variant type: single nucleotide variant.
Coding change: c.395C>T on transcript NM_013322.3 (MANE Select); coding-DNA position 395, C replaced by T.
Protein change: p.Ala132Val; replaces alanine 132 with valine.
Molecular consequence: missense variant.
Genome position (GRCh38, 1-based): chr7:26,371,904, C>T. VCF-style: chr7-26371904-C-T. GRCh37 (hg19) VCF-style: chr7-26411524-C-T.
Other names: c.395C>T, p.Ala132Val (NM_001199835.1, NM_001318199.3); c.386C>T, p.Ala129Val (NM_001199837.3); c.143C>T, p.Ala48Val (NM_001199838.2); c.473C>T, p.Ala158Val (NM_001318198.1, NM_001362753.1, NM_001362754.1); short protein forms A132V, A158V, A129V, A48V.
Identifiers: ClinVar variation 2179825 (VCV002179825.2), dbSNP rs781164071, ClinGen allele CA4195256.

ClinVar aggregate classification (germline): Uncertain significance (1 of 4 stars; one submission).

Allele frequency attached by ClinVar (database versions not stated): gnomAD 0.00001; gnomAD exomes 0.00001; ExAC 0.00002.

Submissions (2):

Labcorp Genetics (formerly Invitae), Labcorp
Classification: Uncertain significance. Last evaluated: 2022-07-04. Review status: criteria provided, single submitter. Criteria: Invitae Variant Classification Sherloc (09022015). Collection method: clinical testing. Allele origin: germline.
Comment: This sequence change replaces alanine, which is neutral and non-polar, with valine, which is neutral and non-polar, at codon 132 of the SNX10 protein (p.Ala132Val). This variant is present in population databases (rs781164071, gnomAD 0.01%). This variant has not been reported in the literature in individuals affected with SNX10-related conditions. Algorithms developed to predict the effect of missense changes on protein structure and function are either unavailable or do not agree on the potential impact of this missense change (SIFT: "Deleterious"; PolyPhen-2: "Probably Damaging"; Align-GVGD: "Class C0"). In summary, the available evidence is currently insufficient to determine the role of this variant in disease. Therefore, it has been classified as a Variant of Uncertain Significance.

Dr. Peter K. Rogan Lab, Western University
No classification provided (evidence only). Condition: Chronic lymphocytic leukemia/small lymphocytic lymphoma. Review status: no classification provided. Collection method: in vitro. Allele origin: not applicable. Functional consequence: retained intron. Not counted in ClinVar's aggregate classification.